The following is an entry in ClinVar:

ClinVar aggregate classification (germline): Uncertain significance (1 of 4 stars; one submission).

Submission:

Labcorp Genetics (formerly Invitae), Labcorp
Classification: Uncertain significance. Last evaluated: 2024-05-06. Review status: criteria provided, single submitter. Criteria: Invitae Variant Classification Sherloc (09022015). Collection method: clinical testing. Allele origin: germline.
Comment: This sequence change replaces serine, which is neutral and polar, with isoleucine, which is neutral and non-polar, at codon 773 of the MSH3 protein (p.Ser773Ile). This variant also falls at the last nucleotide of exon 16, which is part of the consensus splice site for this exon. This variant is not present in population databases (gnomAD no frequency). This variant has not been reported in the literature in individuals affected with MSH3-related conditions. An algorithm developed to predict the effect of missense changes on protein structure and function (PolyPhen-2) suggests that this variant is likely to be disruptive. Variants that disrupt the consensus splice site are a relatively common cause of aberrant splicing (PMID: 17576681, 9536098). Algorithms developed to predict the effect of sequence changes on RNA splicing suggest that this variant may disrupt the consensus splice site. In summary, the available evidence is currently insufficient to determine the role of this variant in disease. Therefore, it has been classified as a Variant of Uncertain Significance.

Literature cited by the submitters: PubMed 17576681; PubMed 9536098.

NM_002439.5(MSH3):c.2318G>T (p.Ser773Ile)

Gene: MSH3 (mutS homolog 3; plus strand). Cytogenetic location: 5q14.1.
Variant type: single nucleotide variant.
Coding change: c.2318G>T on transcript NM_002439.5 (MANE Select); coding-DNA position 2318, G replaced by T.
Protein change: p.Ser773Ile; replaces serine 773 with isoleucine.
Molecular consequence: missense variant.
Genome position (GRCh38, 1-based): chr5:80,775,758, G>T. VCF-style: chr5-80775758-G-T. GRCh37 (hg19) VCF-style: chr5-80071577-G-T.
Other names: short protein forms S773I.
Identifiers: ClinVar variation 3652251 (VCV003652251.2).